The following is an entry in ClinVar:

NM_005677.4(COLQ):c.88G>A (p.Val30Ile)

Gene: COLQ (collagen like tail subunit of asymmetric acetylcholinesterase; minus strand). Cytogenetic location: 3p25.1.
Variant type: single nucleotide variant.
Coding change: c.88G>A on transcript NM_005677.4 (MANE Select); coding-DNA position 88, G replaced by A.
Protein change: p.Val30Ile; replaces valine 30 with isoleucine.
Molecular consequence: missense variant.
Genome position (GRCh38, 1-based): chr3:15,521,538, C>T on the plus strand (G>A on the coding strand, the complement: COLQ is on the minus strand). VCF-style: chr3-15521538-C-T. GRCh37 (hg19) VCF-style: chr3-15563045-C-T.
Other names: c.88G>A, p.Val30Ile (NM_080539.4); short protein forms V30I.
Identifiers: ClinVar variation 848218 (VCV000848218.6), dbSNP rs201234648, ClinGen allele CA70616891.

ClinVar aggregate classification (germline): Uncertain significance. Review status: criteria provided, multiple submitters, no conflicts (2 of 4 stars). 2 submissions from 2 submitters: Uncertain significance (2). Last evaluated 2024-10-18.

Conditions:
Congenital myasthenic syndrome 5. Identifiers: Orphanet 590, MedGen C1864233, MONDO:0011281, OMIM 603034.
Inborn genetic diseases. Identifiers: MedGen C0950123, MeSH D030342.

Allele frequency attached by ClinVar (database versions not stated): gnomAD exomes below 0.00001; gnomAD 0.00002; TOPMed 0.00006.
gnomAD v4.1: 10 of 1,613,958 alleles (0.00062%); highest among the groups gnomAD compares: Admixed American, 0.005%; no homozygotes.

Submissions (2):

Labcorp Genetics (formerly Invitae), Labcorp
Classification: Uncertain significance for Congenital myasthenic syndrome 5. Last evaluated: 2024-10-18. Review status: criteria provided, single submitter. Criteria: Invitae Variant Classification Sherloc (09022015). Collection method: clinical testing. Allele origin: germline.
Comment: This sequence change replaces valine, which is neutral and non-polar, with isoleucine, which is neutral and non-polar, at codon 30 of the COLQ protein (p.Val30Ile). This variant is not present in population databases (gnomAD no frequency). This variant has not been reported in the literature in individuals affected with COLQ-related conditions. ClinVar contains an entry for this variant (Variation ID: 848218). An algorithm developed to predict the effect of missense changes on protein structure and function (PolyPhen-2) suggests that this variant is likely to be disruptive. In summary, the available evidence is currently insufficient to determine the role of this variant in disease. Therefore, it has been classified as a Variant of Uncertain Significance.

Ambry Genetics
Classification: Uncertain significance for Inborn genetic diseases. Last evaluated: 2024-01-02. Review status: criteria provided, single submitter. Criteria: Ambry Variant Classification Scheme 2023. Collection method: clinical testing. Allele origin: germline.